The following is an entry in ClinVar:

ClinVar aggregate classification (germline): Uncertain significance (1 of 4 stars; one submission).

Conditions:
Hypertrophic cardiomyopathy 26. Also called: Cardiomyopathy, familial hypertrophic, 26. Identifiers: Orphanet 75249, MedGen C4310749, MONDO:0014883, OMIM 617047.
Myofibrillar myopathy 5. Also called: Filaminopathy (type); FILAMINOPATHY, AUTOSOMAL DOMINANT. Identifiers: Orphanet 171445, MedGen C1836050, MONDO:0012289, OMIM 609524.
Distal myopathy with posterior leg and anterior hand involvement. Also called: WILLIAMS DISTAL MYOPATHY. Identifiers: Orphanet 63273, MedGen C3279722, MONDO:0013550, OMIM 614065.

Submission:

Labcorp Genetics (formerly Invitae), Labcorp
Classification: Uncertain significance for Distal myopathy with posterior leg and anterior hand involvement; Myofibrillar myopathy 5; Hypertrophic cardiomyopathy 26. Last evaluated: 2025-10-24. Review status: criteria provided, single submitter. Criteria: Invitae Variant Classification Sherloc (09022015). Collection method: clinical testing. Allele origin: germline.
Comment: This sequence change creates a premature translational stop signal (p.Val2684Glufs*28) in the FLNC gene. While this is not anticipated to result in nonsense mediated decay, it is expected to disrupt the last 42 amino acid(s) of the FLNC protein. This variant is not present in population databases (gnomAD no frequency). This variant has not been reported in the literature in individuals affected with FLNC-related conditions. In summary, the available evidence is currently insufficient to determine the role of this variant in disease. Therefore, it has been classified as a Variant of Uncertain Significance.

NM_001458.5(FLNC):c.8051_8052del (p.Val2684fs)

Genes: FLNC-AS1 (FLNC antisense RNA 1; minus strand), FLNC (filamin C; plus strand). Cytogenetic location: 7q32.1.
Variant type: Deletion.
Coding change: c.8051_8052del on transcript NM_001458.5 (MANE Select); coding-DNA positions 8051 to 8052, 2 bases deleted (TG; older notation c.8051_8052delTG).
Protein change: p.Val2684fs; shifts the reading frame from valine 2684.
Molecular consequence: frameshift variant.
Genome position (GRCh38, 1-based): chr7:128,858,396-128,858,397, TG deleted; deleting any 2 consecutive bases within chr7:128,858,395-128,858,397 gives the same sequence; the c. name uses the placement nearest the transcript's 3' end. VCF-style (leftmost placement, unchanged base first): chr7-128858394-CGT-C. GRCh37 (hg19) VCF-style: chr7-128498448-CGT-C.
Other names: c.7952_7953del, p.Val2651fs (NM_001127487.2); short protein forms V2651fs, V2684fs.
Identifiers: ClinVar variation 4812506 (VCV004812506.1).
Genomic context (GRCh38, chr7:128,858,394, plus strand): 5'-AGGCACCAACATGATGATGGTGGGCGTGCACGGCCCCAAGACCCCCTGTGAGGAGGTGTA[CGT>C]GAAGCACATGGGGAACCGGGTGTACAATGTCACCTACACTGTCAAGGAGAAAGGGGACTA-3'